The following is an entry in ClinVar:

ClinVar aggregate classification (germline): Uncertain significance (1 of 4 stars; one submission).

Allele frequency attached by ClinVar (database versions not stated): gnomAD exomes below 0.00001.
gnomAD v4.1: 2 of 1,614,198 alleles (0.00012%); highest among the groups gnomAD compares: Non-Finnish European, 0.00017%; no homozygotes.

Submission:

Labcorp Genetics (formerly Invitae), Labcorp
Classification: Uncertain significance. Last evaluated: 2025-04-19. Review status: criteria provided, single submitter. Criteria: Invitae Variant Classification Sherloc (09022015). Collection method: clinical testing. Allele origin: germline.
Comment: This sequence change replaces lysine, which is basic and polar, with arginine, which is basic and polar, at codon 2609 of the TRRAP protein (p.Lys2609Arg). This variant is not present in population databases (gnomAD no frequency). This variant has not been reported in the literature in individuals affected with TRRAP-related conditions. ClinVar contains an entry for this variant (Variation ID: 2968223). Invitae Evidence Modeling of protein sequence and biophysical properties (such as structural, functional, and spatial information, amino acid conservation, physicochemical variation, residue mobility, and thermodynamic stability) indicates that this missense variant is not expected to disrupt TRRAP protein function with a negative predictive value of 80%. In summary, the available evidence is currently insufficient to determine the role of this variant in disease. Therefore, it has been classified as a Variant of Uncertain Significance.

NM_001375524.1(TRRAP):c.7901A>G (p.Lys2634Arg)

Gene: TRRAP (transformation/transcription domain associated protein; plus strand). Cytogenetic location: 7q22.1.
Variant type: single nucleotide variant.
Coding change: c.7901A>G on transcript NM_001375524.1 (MANE Select); coding-DNA position 7901, A replaced by G.
Protein change: p.Lys2634Arg; replaces lysine 2634 with arginine.
Molecular consequence: missense variant.
Genome position (GRCh38, 1-based): chr7:98,976,210, A>G. VCF-style: chr7-98976210-A-G. GRCh37 (hg19) VCF-style: chr7-98573833-A-G.
Other names: c.7880A>G, p.Lys2627Arg (NM_001244580.2); c.7826A>G, p.Lys2609Arg (NM_003496.4); short protein forms K2609R, K2627R, K2634R.
Identifiers: ClinVar variation 2968223 (VCV002968223.3), dbSNP rs2484946464, ClinGen allele CA368301069.
Genomic context (GRCh38, chr7:98,976,210, plus strand): 5'-CTGGAGCGCTGCTCAGCGCTTTCGTTCAGCTGTGCCACATTTCCACGACGCTGGCAGAGA[A>G]GACGTGGGTCCAGCTTTTCCCCAGATTGTGGAAGATCCTCTCTGACAGACAGCAGCATGT-3'
Protein context (NP_001362453.1, residues 2624-2644): LCHISTTLAE[Lys2634Arg]TWVQLFPRLW